The following is an entry in ClinVar:

NM_015295.3(SMCHD1):c.4828C>A (p.Pro1610Thr)

Gene: SMCHD1 (structural maintenance of chromosomes flexible hinge domain containing 1; plus strand). Cytogenetic location: 18p11.32.
Variant type: single nucleotide variant.
Coding change: c.4828C>A on transcript NM_015295.3 (MANE Select); coding-DNA position 4828, C replaced by A.
Protein change: p.Pro1610Thr; replaces proline 1610 with threonine.
Molecular consequence: missense variant.
Genome position (GRCh38, 1-based): chr18:2,769,802, C>A. VCF-style: chr18-2769802-C-A. GRCh37 (hg19) VCF-style: chr18-2769800-C-A.
Other names: short protein forms P1610T.
Identifiers: ClinVar variation 1975193 (VCV001975193.5), dbSNP rs2510147451, ClinGen allele CA401681868.

ClinVar aggregate classification (germline): Uncertain significance (1 of 4 stars; one submission).

Conditions:
Facioscapulohumeral muscular dystrophy 2 (FSHD2). Also called: MUSCULAR DYSTROPHY, FACIOSCAPULOHUMERAL, TYPE 1B; FACIOSCAPULOHUMERAL MUSCULAR DYSTROPHY 2, DIGENIC; FSHD2, DIGENIC. Identifiers: Orphanet 269, MedGen C1834671, MONDO:0008031, OMIM 158901.

Submission:

Labcorp Genetics (formerly Invitae), Labcorp
Classification: Uncertain significance for Facioscapulohumeral muscular dystrophy 2. Last evaluated: 2022-03-16. Review status: criteria provided, single submitter. Criteria: Invitae Variant Classification Sherloc (09022015). Collection method: clinical testing. Allele origin: germline.
Comment: This sequence change replaces proline, which is neutral and non-polar, with threonine, which is neutral and polar, at codon 1610 of the SMCHD1 protein (p.Pro1610Thr). This variant is not present in population databases (gnomAD no frequency). This variant has not been reported in the literature in individuals affected with SMCHD1-related conditions. Algorithms developed to predict the effect of missense changes on protein structure and function (SIFT, PolyPhen-2, Align-GVGD) all suggest that this variant is likely to be tolerated. In summary, the available evidence is currently insufficient to determine the role of this variant in disease. Therefore, it has been classified as a Variant of Uncertain Significance.